The following is an entry in ClinVar:

ClinVar aggregate classification (germline): Uncertain significance. Review status: criteria provided, multiple submitters, no conflicts (2 of 4 stars). 5 submissions from 5 submitters: Uncertain significance (5). Last evaluated 2025-10-14.

Conditions:
Hereditary pancreatitis (PCTT). Also called: Hereditary chronic pancreatitis; PRSS1-Related Hereditary Pancreatitis. Identifiers: Orphanet 676, MedGen C0238339, MONDO:0008185, OMIM 167800.

Allele frequency attached by ClinVar (database versions not stated): ExAC 0.00001; gnomAD exomes 0.00001; TOPMed 0.00001.
gnomAD v4.1: 19 of 1,614,060 alleles (0.0012%); highest among the groups gnomAD compares: Middle Eastern, 0.033%; no homozygotes.

Submissions (5):

Ambry Genetics
Classification: Uncertain significance for Hereditary pancreatitis. Last evaluated: 2025-10-14. Review status: criteria provided, single submitter. Criteria: Ambry Variant Classification Scheme 2023. Collection method: clinical testing. Allele origin: germline.
Comment: The p.A9V variant (also known as c.26C>T), located in coding exon 1 of the CTRC gene, results from a C to T substitution at nucleotide position 26. The alanine at codon 9 is replaced by valine, an amino acid with similar properties. This amino acid position is not well conserved in available vertebrate species. In addition, this alteration is predicted to be tolerated by in silico analysis. Since supporting evidence is limited at this time, the clinical significance of this alteration remains unclear.

Labcorp Genetics (formerly Invitae), Labcorp
Classification: Uncertain significance for Hereditary pancreatitis. Last evaluated: 2025-09-10. Review status: criteria provided, single submitter. Criteria: Invitae Variant Classification Sherloc (09022015). Collection method: clinical testing. Allele origin: germline.
Comment: This sequence change replaces alanine, which is neutral and non-polar, with valine, which is neutral and non-polar, at codon 9 of the CTRC protein (p.Ala9Val). This variant is present in population databases (rs772818172, gnomAD 0.002%). This variant has not been reported in the literature in individuals affected with CTRC-related conditions. ClinVar contains an entry for this variant (Variation ID: 292904). Invitae Evidence Modeling of protein sequence and biophysical properties (such as structural, functional, and spatial information, amino acid conservation, physicochemical variation, residue mobility, and thermodynamic stability) indicates that this missense variant is not expected to disrupt CTRC protein function with a negative predictive value of 95%. In summary, the available evidence is currently insufficient to determine the role of this variant in disease. Therefore, it has been classified as a Variant of Uncertain Significance.

Mayo Clinic Laboratories, Mayo Clinic
Classification: Uncertain significance. Last evaluated: 2019-07-29. Review status: criteria provided, single submitter. Criteria: ACMG Guidelines, 2015. Collection method: clinical testing. Allele origin: germline. Observed: 1 variant allele.

ARUP Laboratories, Molecular Genetics and Genomics, ARUP Laboratories
Classification: Uncertain significance for Hereditary pancreatitis. Last evaluated: 2018-12-26. Review status: criteria provided, single submitter. Criteria: ARUP Molecular Germline Variant Investigation Process. Collection method: clinical testing. Allele origin: germline.
Comment: The CTRC c.26C>T; p.Ala9Val variant (rs772818172), to our knowledge, is not reported in the medical literature but is reported in ClinVar (Variation ID: 292904). This variant is only observed on two alleles in the Genome Aggregation Database, indicating it is not a common polymorphism. The alanine at codon 9 is weakly conserved, and computational analyses (SIFT, PolyPhen-2) predict that this variant is tolerated. Due to limited information, the clinical significance of the p.Ala9Val variant is uncertain at this time.

Illumina Laboratory Services, Illumina
Classification: Uncertain significance for Hereditary pancreatitis. Last evaluated: 2018-01-13. Review status: criteria provided, single submitter. Criteria: ICSL Variant Classification Criteria 13 December 2019. Collection method: clinical testing. Allele origin: germline.

NM_007272.3(CTRC):c.26C>T (p.Ala9Val)

Gene: CTRC (chymotrypsin C; plus strand). Cytogenetic location: 1p36.21.
Variant type: single nucleotide variant.
Coding change: c.26C>T on transcript NM_007272.3 (MANE Select); coding-DNA position 26, C replaced by T.
Protein change: p.Ala9Val; replaces alanine 9 with valine.
Molecular consequence: missense variant.
Genome position (GRCh38, 1-based): chr1:15,438,490, C>T. VCF-style: chr1-15438490-C-T. GRCh37 (hg19) VCF-style: chr1-15764986-C-T.
Other names: short protein forms A9V.
Identifiers: ClinVar variation 292904 (VCV000292904.24), dbSNP rs772818172, ClinGen allele CA613181.